The following is an entry in ClinVar:

NM_006623.4(PHGDH):c.427C>A (p.Leu143Met)

Gene: PHGDH (phosphoglycerate dehydrogenase; plus strand). Cytogenetic location: 1p12.
Variant type: single nucleotide variant.
Coding change: c.427C>A on transcript NM_006623.4 (MANE Select); coding-DNA position 427, C replaced by A.
Protein change: p.Leu143Met; replaces leucine 143 with methionine.
Molecular consequence: missense variant.
Genome position (GRCh38, 1-based): chr1:119,727,019, C>A. VCF-style: chr1-119727019-C-A. GRCh37 (hg19) VCF-style: chr1-120269642-C-A.
Other names: short protein forms L143M.
Identifiers: ClinVar variation 1407780 (VCV001407780.5), dbSNP rs143155925, ClinGen allele CA1037105.

ClinVar aggregate classification (germline): Uncertain significance (1 of 4 stars; one submission).

Conditions:
PHGDH deficiency. Identifiers: Orphanet 79351, MedGen C1866174, MONDO:0011152, OMIM 601815.

Allele frequency attached by ClinVar (database versions not stated): ExAC 0.00001; ESP Exome Variant Server 0.00008.
gnomAD v4.1: 7 of 1,613,286 alleles (0.00043%); highest among the groups gnomAD compares: African/African-American, 0.0067%; no homozygotes.

Submission:

Labcorp Genetics (formerly Invitae), Labcorp
Classification: Uncertain significance for PHGDH deficiency. Last evaluated: 2022-07-06. Review status: criteria provided, single submitter. Criteria: Invitae Variant Classification Sherloc (09022015). Collection method: clinical testing. Allele origin: germline.
Comment: This sequence change replaces leucine, which is neutral and non-polar, with methionine, which is neutral and non-polar, at codon 143 of the PHGDH protein (p.Leu143Met). This variant is present in population databases (rs143155925, gnomAD 0.007%). This variant has not been reported in the literature in individuals affected with PHGDH-related conditions. ClinVar contains an entry for this variant (Variation ID: 1407780). Algorithms developed to predict the effect of missense changes on protein structure and function are either unavailable or do not agree on the potential impact of this missense change (SIFT: "Deleterious"; PolyPhen-2: "Probably Damaging"; Align-GVGD: "Class C0"). In summary, the available evidence is currently insufficient to determine the role of this variant in disease. Therefore, it has been classified as a Variant of Uncertain Significance.